The following is an entry in ClinVar:

ClinVar aggregate classification (germline): Uncertain significance (1 of 4 stars; one submission).

gnomAD v4.1: 1 of 1,614,154 alleles (0.000062%); highest among the groups gnomAD compares: Non-Finnish European, 0.000085%; no homozygotes.

Submission:

Ambry Genetics
Classification: Uncertain significance. Last evaluated: 2025-06-25. Review status: criteria provided, single submitter. Criteria: Ambry Variant Classification Scheme 2023. Collection method: clinical testing. Allele origin: germline.
Comment: The p.M53T variant (also known as c.158T>C), located in coding exon 1 of the CDK12 gene, results from a T to C substitution at nucleotide position 158. The methionine at codon 53 is replaced by threonine, an amino acid with similar properties. This amino acid position is conserved. In addition, this alteration is predicted to be tolerated by in silico analysis. Based on the available evidence, the clinical significance of this variant remains unclear.

NM_016507.4(CDK12):c.158T>C (p.Met53Thr)

Genes: CDK12 (cyclin dependent kinase 12; plus strand), LOC126862553 (CDK7 strongly-dependent group 2 enhancer GRCh37_chr17:37618166-37619365; plus strand). Cytogenetic location: 17q12.
Variant type: single nucleotide variant.
Coding change: c.158T>C on transcript NM_016507.4 (MANE Select); coding-DNA position 158, T replaced by C.
Protein change: p.Met53Thr; replaces methionine 53 with threonine.
Molecular consequence: missense variant.
Genome position (GRCh38, 1-based): chr17:39,462,229, T>C. VCF-style: chr17-39462229-T-C. GRCh37 (hg19) VCF-style: chr17-37618482-T-C.
Other names: c.158T>C, p.Met53Thr (NM_015083.4); short protein forms M53T.
Identifiers: ClinVar variation 4224222 (VCV004224222.1).